The following is an entry in ClinVar:

ClinVar aggregate classification (germline): Likely pathogenic. Review status: criteria provided, multiple submitters, no conflicts (2 of 4 stars). 4 submissions from 4 submitters: Likely pathogenic (4). Last evaluated 2025-10-01.

Conditions:
Carcinoma of pancreas. Also called: PANCREATIC ACINAR CARCINOMA; PANCREATIC CARCINOMA; Exocrine pancreatic carcinoma; Pancreatic cancer, somatic; Pancreatic carcinoma, somatic. Identifiers: Orphanet 1333, Orphanet 217074, MedGen C0235974, MONDO:0005192. Disease mechanism: loss of function.
Peutz-Jeghers syndrome (PJS). Also called: POLYPOSIS, HAMARTOMATOUS INTESTINAL; POLYPS-AND-SPOTS SYNDROME; Peutz-Jeghers polyposis; Periorificial lentiginosis syndrome. Identifiers: Orphanet 2869, MedGen C0031269, MeSH D010580, MONDO:0008280, OMIM 175200.
Malignant tumor of testis. Also called: Testicular cancer. Identifiers: MedGen C0153594, MONDO:0005447.
Hereditary cancer-predisposing syndrome. Also called: Tumor predisposition; Hereditary Cancer Syndrome; Hereditary neoplastic syndrome; Neoplastic Syndromes, Hereditary. Identifiers: Orphanet 140162, MedGen C0027672, MeSH D009386, MONDO:0015356.

Submissions (4):

Ambry Genetics
Classification: Likely pathogenic for Hereditary cancer-predisposing syndrome. Last evaluated: 2025-10-01. Review status: criteria provided, single submitter. Criteria: Ambry Variant Classification Scheme 2023. Collection method: clinical testing. Allele origin: germline.
Comment: The p.S240W variant (also known as c.719C>G), located in coding exon 5 of the STK11 gene, results from a C to G substitution at nucleotide position 719. The serine at codon 240 is replaced by tryptophan, an amino acid with highly dissimilar properties. This alteration has been reported in individuals with clinical features of Peutz-Jeghers syndrome (Ngeow J et al. Gastroenterology 2013 Jun; 144(7):1402-9, 1409.e1-5; Zhang Z et al. World J. Gastroenterol. 2020 Apr;26(16):1926-1937; Ambry internal data). This variant was not reported in population-based cohorts in the Genome Aggregation Database (gnomAD). This amino acid position is highly conserved in available vertebrate species. In addition, this alteration is predicted to be deleterious by in silico analysis. Based on the majority of available evidence to date, this variant is likely to be pathogenic.

Labcorp Genetics (formerly Invitae), Labcorp
Classification: Likely pathogenic for Peutz-Jeghers syndrome. Last evaluated: 2023-03-23. Review status: criteria provided, single submitter. Criteria: Invitae Variant Classification Sherloc (09022015). Collection method: clinical testing. Allele origin: germline.
Comment: In summary, the currently available evidence indicates that the variant is pathogenic, but additional data are needed to prove that conclusively. Therefore, this variant has been classified as Likely Pathogenic. This sequence change replaces serine, which is neutral and polar, with tryptophan, which is neutral and slightly polar, at codon 240 of the STK11 protein (p.Ser240Trp). This variant is not present in population databases (gnomAD no frequency). This missense change has been observed in individuals with Peutz-Jeghers syndrome (PMID: 23399955; Invitae). ClinVar contains an entry for this variant (Variation ID: 182902). Advanced modeling of protein sequence and biophysical properties (such as structural, functional, and spatial information, amino acid conservation, physicochemical variation, residue mobility, and thermodynamic stability) performed at Invitae indicates that this missense variant is expected to disrupt STK11 protein function. Algorithms developed to predict the effect of sequence changes on RNA splicing suggest that this variant may create or strengthen a splice site.

Genome-Nilou Lab
Classification: Likely pathogenic for Peutz-Jeghers syndrome. Last evaluated: 2021-07-15. Review status: criteria provided, single submitter. Criteria: ACMG Guidelines, 2015. Collection method: clinical testing. Allele origin: germline. Affected: no.

Fulgent Genetics
Classification: Likely pathogenic for Peutz-Jeghers syndrome; Familial pancreatic carcinoma; Germ cell tumor of testis. Last evaluated: 2018-10-31. Review status: criteria provided, single submitter. Criteria: ACMG Guidelines, 2015. Collection method: clinical testing. Allele origin: unknown.

Literature cited by the submitters: PubMed 23399955 (cited by Ambry Genetics and Labcorp Genetics (formerly Invitae), Labcorp).

NM_000455.5(STK11):c.719C>G (p.Ser240Trp)

Gene: STK11 (serine/threonine kinase 11; plus strand). Cytogenetic location: 19p13.3.
Variant type: single nucleotide variant.
Coding change: c.719C>G on transcript NM_000455.5 (MANE Select); coding-DNA position 719, C replaced by G.
Protein change: p.Ser240Trp; replaces serine 240 with tryptophan.
Molecular consequence: missense variant.
Genome position (GRCh38, 1-based): chr19:1,220,702, C>G. VCF-style: chr19-1220702-C-G. GRCh37 (hg19) VCF-style: chr19-1220701-C-G.
Other names: short protein forms S240W.
Identifiers: ClinVar variation 182902 (VCV000182902.20), dbSNP rs730881976, ClinGen allele CA023243.